The following is an entry in ClinVar:

ClinVar aggregate classification (germline): Uncertain significance (1 of 4 stars; one submission).

Conditions:
Bethlem myopathy 1A. Also called: Bethlem Muscular Dystrophy; MYOPATHY, BENIGN CONGENITAL, WITH CONTRACTURES; Bethlem myopathy 1. Identifiers: Orphanet 610, MedGen CN029274, MONDO:0024530, OMIM 158810.

Allele frequency attached by ClinVar (database versions not stated): gnomAD exomes below 0.00001; gnomAD 0.00001; TOPMed 0.00002.
gnomAD v4.1: 3 of 1,592,308 alleles (0.00019%); highest among the groups gnomAD compares: African/African-American, 0.004%; no homozygotes.

Submission:

Labcorp Genetics (formerly Invitae), Labcorp
Classification: Uncertain significance for Bethlem myopathy 1A. Last evaluated: 2019-10-08. Review status: criteria provided, single submitter. Criteria: Invitae Variant Classification Sherloc (09022015). Collection method: clinical testing. Allele origin: germline.
Comment: This variant has not been reported in the literature in individuals with COL6A1-related conditions. Nucleotide substitutions within the consensus splice site are a relatively common cause of aberrant splicing (PMID: 17576681, 9536098). Algorithms developed to predict the effect of sequence changes on RNA splicing suggest that this variant is not likely to affect RNA splicing, but this prediction has not been confirmed by published transcriptional studies. In summary, the available evidence is currently insufficient to determine the role of this variant in disease. Therefore, it has been classified as a Variant of Uncertain Significance. This sequence change falls in intron 26 of the COL6A1 gene. It does not directly change the encoded amino acid sequence of the COL6A1 protein, but it affects a nucleotide within the consensus splice site of the intron. This variant is not present in population databases (ExAC no frequency).

Literature cited by the submitters: PubMed 17576681; PubMed 9536098.

NM_001848.3(COL6A1):c.1740+3G>C

Gene: COL6A1 (collagen type VI alpha 1 chain; plus strand). Cytogenetic location: 21q22.3.
Variant type: single nucleotide variant.
Coding change: c.1740+3G>C on transcript NM_001848.3 (MANE Select); 3 bases into the intron after coding-DNA position 1740, G replaced by C.
Molecular consequence: intron variant.
Genome position (GRCh38, 1-based): chr21:45,999,221, G>C. VCF-style: chr21-45999221-G-C. GRCh37 (hg19) VCF-style: chr21-47419135-G-C.
Identifiers: ClinVar variation 946274 (VCV000946274.8), dbSNP rs1314703448, ClinGen allele CA638181539.